The following is an entry in ClinVar:

ClinVar aggregate classification (germline): Likely pathogenic (1 of 4 stars; one submission).

Conditions:
Seizures, benign familial neonatal, 1. Also called: KCNQ2-Related Benign Familial Neonatal Epilepsy; Benign Neonatal Epilepsy 1; KCNQ2-Related Self-Limited Familial Neonatal Epilepsy (SLFNE); Seizures, benign neonatal, 1. Identifiers: Orphanet 1949, MedGen C3149074, MONDO:0007365, OMIM 121200.
Developmental and epileptic encephalopathy, 7 (DEE7). Also called: KCNQ2-Related Neonatal Epileptic Encephalopathy; Early infantile epileptic encephalopathy 7; KCNQ2-Related Neonatal-Onset Developmental and Epileptic Encephalopathy (NEO-DEE). Identifiers: Orphanet 439218, MedGen C3150986, MONDO:0013387, OMIM 613720.

Submission:

Molecular Genetics Department, Kulakov National Medical Research Center for Obstetrics, Gynecology and Perinatology
Classification: Likely pathogenic for Seizures, benign familial neonatal, 1; Developmental and epileptic encephalopathy, 7. Review status: criteria provided, single submitter. Criteria: ACMG Guidelines, 2015. Collection method: clinical testing. Allele origin: de novo. Affected: yes. Observed: 1 variant allele.
Comment: A previously undescribed heterozygous nucleotide variant creates a missense p.Gln188His in the KCNQ2 gene. Heterozygous missense variants are reported in patients with developmental and epileptic encephalopathy 7, 613720; Myokymia, 121200; Seizures, benign neonatal, 1, 121200. Another variant resulting in an amino acid substitution at the same position (p.Gln188Pro) has been reported as as having arisen de novo in patient with epileptic encephalopathy [Yamamoto et al., 2020, PMID: 32532640].The variant is not present in population database (gnomAD no frequency). Sanger sequencing revealed that the variant arose de novo (parentage confirmed). In summary, the currently available evidence indicates that the variant is pathogenic, but additional data are needed to prove that conclusively. Therefore, this variant has been classified as likely pathogenic.

Literature cited by the submitters: PubMed 32532640.

NM_172107.4(KCNQ2):c.564G>T (p.Gln188His)

Gene: KCNQ2 (potassium voltage-gated channel subfamily Q member 2; minus strand). Cytogenetic location: 20q13.33.
Variant type: single nucleotide variant.
Coding change: c.564G>T on transcript NM_172107.4 (MANE Select); coding-DNA position 564, G replaced by T.
Protein change: p.Gln188His; replaces glutamine 188 with histidine.
Molecular consequence: missense variant.
Genome position (GRCh38, 1-based): chr20:63,444,785, C>A on the plus strand (G>T on the coding strand, the complement: KCNQ2 is on the minus strand). VCF-style: chr20-63444785-C-A. GRCh37 (hg19) VCF-style: chr20-62076138-C-A.
Other names: c.564G>T, p.Gln188His (NM_001382235.1, NM_001439003.1, NM_001439004.1 and 4 more transcripts); short protein forms Q188H.
Identifiers: ClinVar variation 4294467 (VCV004294467.1).